The following is an entry in ClinVar:

NM_005918.4(MDH2):c.2T>C (p.Met1Thr)

Gene: MDH2 (malate dehydrogenase 2; plus strand). Cytogenetic location: 7q11.23.
Variant type: single nucleotide variant.
Coding change: c.2T>C on transcript NM_005918.4 (MANE Select); coding-DNA position 2, T replaced by C.
Protein change: p.Met1Thr; changes the start codon (methionine 1).
Molecular consequence: missense variant, initiator codon variant. On other transcripts: 5 prime UTR variant (1), non-coding transcript variant (1).
Genome position (GRCh38, 1-based): chr7:76,048,162, T>C. VCF-style: chr7-76048162-T-C. GRCh37 (hg19) VCF-style: chr7-75677480-T-C.
Other names: c.2T>C, p.Met1Thr (NM_001282403.2); c.-151T>C (NM_001282404.2); short protein forms M1T.
Identifiers: ClinVar variation 1493417 (VCV001493417.6), dbSNP rs1306515179, ClinGen allele CA367760008.

ClinVar aggregate classification (germline): Uncertain significance (1 of 4 stars; one submission).

Allele frequency attached by ClinVar (database versions not stated): TOPMed below 0.00001; gnomAD 0.00001; gnomAD exomes 0.00001.

Submission:

Labcorp Genetics (formerly Invitae), Labcorp
Classification: Uncertain significance. Last evaluated: 2024-02-24. Review status: criteria provided, single submitter. Criteria: Invitae Variant Classification Sherloc (09022015). Collection method: clinical testing. Allele origin: germline.
Comment: This sequence change affects the initiator methionine of the MDH2 mRNA. The next in-frame methionine is located at codon 108. This variant is not present in population databases (gnomAD no frequency). This variant has not been reported in the literature in individuals affected with MDH2-related conditions. ClinVar contains an entry for this variant (Variation ID: 1493417). Experimental studies and prediction algorithms are not available or were not evaluated, and the functional significance of this variant is currently unknown. In summary, the available evidence is currently insufficient to determine the role of this variant in disease. Therefore, it has been classified as a Variant of Uncertain Significance.